The following is an entry in ClinVar:

ClinVar aggregate classification (germline): Uncertain significance. Review status: criteria provided, multiple submitters, no conflicts (2 of 4 stars). 5 submissions from 5 submitters: Uncertain significance (4). 1 of the submissions does not count toward it. Last evaluated 2024-11-22.

Conditions:
SPEG-related disorder. Also called: SPEG-related condition.

Allele frequency attached by ClinVar (database versions not stated): TOPMed 0.00027; gnomAD 0.00032 and 0.00034; gnomAD exomes 0.00133.
gnomAD v4.1: 376 of 1,392,218 alleles (0.027%); highest among the groups gnomAD compares: Middle Eastern, 0.049%; 4 homozygotes.

Submissions (5):

Blueprint Genetics
Classification: Uncertain significance. Last evaluated: 2024-11-22. Review status: criteria provided, single submitter. Criteria: ACMG Guidelines, 2015. Collection method: clinical testing. Allele origin: germline.

Labcorp Genetics (formerly Invitae), Labcorp
Classification: Uncertain significance. Last evaluated: 2024-01-18. Review status: criteria provided, single submitter. Criteria: Invitae Variant Classification Sherloc (09022015). Collection method: clinical testing. Allele origin: germline.
Comment: This sequence change replaces arginine, which is basic and polar, with glycine, which is neutral and non-polar, at codon 685 of the SPEG protein (p.Arg685Gly). This variant is present in population databases (rs767316023, gnomAD 0.2%), including at least one homozygous and/or hemizygous individual. This variant has not been reported in the literature in individuals affected with SPEG-related conditions. ClinVar contains an entry for this variant (Variation ID: 1162953). An algorithm developed to predict the effect of missense changes on protein structure and function (PolyPhen-2) suggests that this variant is likely to be disruptive. In summary, the available evidence is currently insufficient to determine the role of this variant in disease. Therefore, it has been classified as a Variant of Uncertain Significance.

CeGaT Center for Human Genetics Tuebingen
Classification: Uncertain significance. Last evaluated: 2023-08-01. Review status: criteria provided, single submitter. Criteria: CeGaT Center For Human Genetics Tuebingen Variant Classification Criteria Version 2. Collection method: clinical testing. Allele origin: germline. Affected: yes. Observed: 1 variant allele.

Mayo Clinic Laboratories, Mayo Clinic
Classification: Uncertain significance. Last evaluated: 2021-03-04. Review status: criteria provided, single submitter. Criteria: ACMG Guidelines, 2015. Collection method: clinical testing. Allele origin: germline. Observed: 1 variant allele.

PreventionGenetics, part of Exact Sciences
Classification: Likely benign for SPEG-related condition. Last evaluated: 2023-04-26. Review status: no assertion criteria provided. Collection method: clinical testing. Allele origin: germline. Not counted in ClinVar's aggregate classification.
Comment: This variant is classified as likely benign based on ACMG/AMP sequence variant interpretation guidelines (Richards et al. 2015 PMID: 25741868, with internal and published modifications).

NM_005876.5(SPEG):c.2053C>G (p.Arg685Gly)

Gene: SPEG (striated muscle enriched protein kinase; plus strand). Cytogenetic location: 2q35.
Variant type: single nucleotide variant.
Coding change: c.2053C>G on transcript NM_005876.5 (MANE Select); coding-DNA position 2053, C replaced by G.
Protein change: p.Arg685Gly; replaces arginine 685 with glycine.
Molecular consequence: missense variant.
Genome position (GRCh38, 1-based): chr2:219,449,211, C>G. VCF-style: chr2-219449211-C-G. GRCh37 (hg19) VCF-style: chr2-220313933-C-G.
Other names: short protein forms R685G.
Identifiers: ClinVar variation 1162953 (VCV001162953.35), dbSNP rs767316023, ClinGen allele CA66005120.
Genomic context (GRCh38, chr2:219,449,211, plus strand): 5'-GAGGCAGAGAAGAGGCTTCGCAGAGGGCCGGAGGAGGACGGTCCCTGGGGGCCCTGGGAC[C>G]GCCGAGGGGCCCGCAGCCAGGGCAAAGGTCGCCGGGCCCGGCCCACCTCCCCTGAGCTCG-3'
Protein context (NP_005867.3, residues 675-695): EEDGPWGPWD[Arg685Gly]RGARSQGKGR